The following is an entry in ClinVar:

ClinVar aggregate classification (germline): Uncertain significance (1 of 4 stars; one submission).

Conditions:
Hereditary cancer-predisposing syndrome. Also called: Hereditary neoplastic syndrome; Neoplastic Syndromes, Hereditary; Tumor predisposition; Hereditary Cancer Syndrome. Identifiers: Orphanet 140162, MedGen C0027672, MeSH D009386, MONDO:0015356.

Submission:

Ambry Genetics
Classification: Uncertain significance for Hereditary cancer-predisposing syndrome. Last evaluated: 2025-12-12. Review status: criteria provided, single submitter. Criteria: Ambry Variant Classification Scheme 2023. Collection method: clinical testing. Allele origin: germline.
Comment: The p.M1? variant (also known as c.3G>C) is located in coding exon 1 of the BRIP1 gene and results from a G to C substitution at nucleotide position 3. This alters the methionine residue at the initiation codon (ATG). Variations that modify the initiation codon (ATG) are expected to result in either loss of translation initiation, N-terminal truncation, or cause a shift in the mRNA reading frame; however, there is an in-frame methionine 3 amino acids from the initiation site, which may result in N-terminal truncation of unknown functional significance. Based on the available evidence, the clinical significance of this variant remains unclear.

NM_032043.3(BRIP1):c.3G>C (p.Met1Ile)

Gene: BRIP1 (BRCA1 interacting DNA helicase 1; minus strand). Cytogenetic location: 17q23.2.
Variant type: single nucleotide variant.
Coding change: c.3G>C on transcript NM_032043.3 (MANE Select); coding-DNA position 3, G replaced by C.
Protein change: p.Met1Ile; changes the start codon (methionine 1).
Molecular consequence: missense variant, initiator codon variant.
Genome position (GRCh38, 1-based): chr17:61,861,537, C>G on the plus strand (G>C on the coding strand, the complement: BRIP1 is on the minus strand). VCF-style: chr17-61861537-C-G. GRCh37 (hg19) VCF-style: chr17-59938898-C-G.
Other names: short protein forms M1I.
Identifiers: ClinVar variation 3825674 (VCV003825674.2).
Genomic context (GRCh38, chr17:61,861,537, plus strand): 5'-AGCTTTATAAGGAAAGTAAATCTTCACCCCACCAATTGTATATTCAGACCACATTGAAGA[C>G]ATAGTGCTTTCCTGTTTATTTCAGATTCCTAACTACAACAGAAATGAAAATGTCAAATAT-3'
Protein context (NP_114432.2, residues 1-11): [Met1Ile]SSMWSEYTIG